The following is an entry in ClinVar:

NM_000183.3(HADHB):c.1390-515_1390-499del

Gene: HADHB (hydroxyacyl-CoA dehydrogenase trifunctional multienzyme complex subunit beta; plus strand). Cytogenetic location: 2p23.3.
Variant type: Deletion.
Coding change: c.1390-515_1390-499del on transcript NM_000183.3 (MANE Select); 515 bases into the intron before coding-DNA position 1390 through 499 bases into the intron before coding-DNA position 1390, 17 bases deleted (TACCTTAATAGCTTTGT).
Molecular consequence: intron variant.
Genome position (GRCh38, 1-based): chr2:26,289,403-26,289,419, TACCTTAATAGCTTTGT deleted; deleting any 17 consecutive bases within chr2:26,289,400-26,289,419 gives the same sequence; the c. name uses the placement nearest the transcript's 3' end. VCF-style (leftmost placement, unchanged base first): chr2-26289399-CTGTTACCTTAATAGCTT-C. GRCh37 (hg19) VCF-style: chr2-26512267-CTGTTACCTTAATAGCTT-C.
Other names: c.1324-515_1324-499del (NM_001281513.2); c.1345-515_1345-499del (NM_001281512.2).
Identifiers: ClinVar variation 3359235 (VCV003359235.6).
Genomic context (GRCh38, chr2:26,289,399, plus strand): 5'-AGTGAAGAAGGGACAAGCCCAGCCTTTGGAATCATCTAGACCTGGTTTCAAATCCTGGCC[CTGTTACCTTAATAGCTT>C]TGTGATTTGGGTGAGTCACTTAACCTTTCAGAGCCTCAGTTTTCCCCTCTAGAAACTTAC-3'

ClinVar aggregate classification (germline): Pathogenic/Likely pathogenic. Review status: criteria provided, multiple submitters, no conflicts (2 of 4 stars). 4 submissions from 4 submitters: Pathogenic (1); Likely pathogenic (2). 1 of the submissions does not count toward it. Last evaluated 2026-07-15.

Conditions:
Mitochondrial trifunctional protein deficiency 2 (MTPD2). Identifiers: MedGen C5830374, MONDO:0958185, OMIM 620300.

Submissions (4):

Victorian Clinical Genetics Services, Murdoch Childrens Research Institute
Classification: Likely pathogenic for Mitochondrial trifunctional protein deficiency 2. Last evaluated: 2026-07-15. Review status: criteria provided, single submitter. Criteria: ACMG Guidelines, 2015. Collection method: clinical testing. Allele origin: germline. Affected: yes.
Comment: This variant is classified as Likely pathogenic. Evidence in support of pathogenic classification: Non-coding variant with known effect. RNAseq and RT-PCR using patient fibroblasts show multiple alternative splicing outcomes, including the formation of a pseudoexon within the final intron, which introduces a frameshift and premature stop codon which would be predicted to escape NMD (PMID: 39723123). However, based on the relative levels of wildtype and alternative splicing, the variant appears to be hypomorphic; Variant is present in gnomAD <0.01 for a recessive condition (v4: 1 heterozygote(s), 0 homozygote(s)); This variant has limited previous evidence of pathogenicity in an unrelated individual(s). This variant has been reported in the literature in compound heterozygous siblings with mitochondrial trifunctional protein deficiency (PMID: 39723123, 40927908). This variant has also been classified as pathogenic and as a VUS by clinical laboratories in ClinVar; however, it cannot be ruled out that these entries overlap with the literature; Very strong and specific phenotype match for this individual. Additional information: This variant is homozygous; This gene is associated with autosomal recessive disease; Loss of function is a known mechanism of disease in this gene and is associated with mitochondrial trifunctional protein deficiency 2 (MIM#620300).

Eric Vilain Laboratory, University of California, Irvine
Classification: Likely pathogenic for Mitochondrial trifunctional protein deficiency 2. Last evaluated: 2025-06-12. Review status: criteria provided, single submitter. Criteria: Submitter's publication. Collection method: research. Allele origin: maternal. Inheritance: Autosomal recessive inheritance. Affected: yes.
Comment: RNA sequencing demonstrated the inclusion of a pseudoexon.

Undiagnosed Diseases Program Translational Research Laboratory, National Institutes of Health
Classification: Pathogenic for Mitochondrial trifunctional protein deficiency 2. Last evaluated: 2024-10-08. Review status: criteria provided, single submitter. Criteria: UDP ClinVar Assertion WDR37 050619. Collection method: clinical testing, research. Allele origin: maternal, not applicable. Inheritance: Autosomal recessive inheritance. Affected: yes. Functional consequence: Component leading to Loss-of-Function (LoF).
Comment: This is a part of a compound heterozygous variants. There is also biochemical evidence of Trifunctional protein deficiency in affected family members.

Undiagnosed Diseases Network, NIH
Classification: Uncertain significance for Mitochondrial trifunctional protein deficiency 2. Last evaluated: 2023-01-10. Review status: no assertion criteria provided. Collection method: clinical testing. Allele origin: maternal. Affected: yes. Observed: 2 variant alleles, 2 compound heterozygotes. Clinical features observed: Lethargy (HP:0001254), Fetal growth restriction (HP:0001511), Decreased total neutrophil count (HP:0001875), Anemia (HP:0001903), Neonatal hypoglycemia (HP:0001998), Pregnancy history (HP:0002686), Lactic acidosis (HP:0003128), Temperature instability (HP:0005968), Primary Caesarian section (HP:0030363), Focal segmental glomerulosclerosis (HP:0000097), Nephrotic syndrome (HP:0000100), Microcephaly (HP:0000252), and 23 more. Study: Undiagnosed Diseases Network (NIH), UDN. Not counted in ClinVar's aggregate classification.

Literature cited by the submitters: PubMed 40927908 (cited by Victorian Clinical Genetics Services, Murdoch Childrens Research Institute); PubMed 39723123 (cited by Victorian Clinical Genetics Services, Murdoch Childrens Research Institute); DOI 10.1101/2024.12.21.24318325 (cited by Eric Vilain Laboratory, University of California, Irvine).